The following is an entry in ClinVar:

NM_001159699.2(FHL1):c.847del (p.His283fs)

Gene: FHL1 (four and a half LIM domains 1; plus strand). Cytogenetic location: Xq26.3.
Variant type: Deletion.
Coding change: c.847del on transcript NM_001159699.2 (MANE Select); coding-DNA position 847, one base deleted (C; older notation c.847delC).
Protein change: p.His283fs; shifts the reading frame from histidine 283.
Molecular consequence: frameshift variant. On other transcripts: 3 prime UTR variant (6), non-coding transcript variant (1).
Genome position (GRCh38, 1-based): chrX:136,209,981, C deleted; the last of 2 consecutive C bases (chrX:136,209,980-136,209,981); deleting either gives the same sequence. VCF-style (leftmost placement, unchanged base first): chrX-136209979-TC-T. GRCh37 (hg19) VCF-style: chrX-135292138-TC-T.
Other names: c.799del, p.His267fs (NM_001159700.2, NM_001159704.1, NM_001167819.1 and 4 more transcripts); c.886del, p.His296fs (NM_001159701.2); c.*27del (NM_001159702.3, NM_001159703.2, NM_001330659.2 and 3 more transcripts); short protein forms H267fs, H283fs, H296fs.
Identifiers: ClinVar variation 986173 (VCV000986173.4), dbSNP rs2073966199, ClinGen allele CA1139667814.

ClinVar aggregate classification (germline): Uncertain significance (1 of 4 stars; one submission).

Conditions:
Cardiovascular phenotype. Identifiers: MedGen CN230736.

Submission:

Ambry Genetics
Classification: Uncertain significance for Cardiovascular phenotype. Last evaluated: 2020-03-26. Review status: criteria provided, single submitter. Criteria: Ambry Variant Classification Scheme 2023. Collection method: clinical testing. Allele origin: germline.
Comment: The alteration results in an elongated protein:_x000D_ _x000D_ The c.799delC (p.H267Tfs*23) alteration, located in exon 7 (coding exon 5) of the FHL1 gene, results from a deletion of a single nucleotides at position 799, causing a translational frameshift with a predicted alternate stop codon. Frameshifts are typically deleterious in nature; however, this frameshift occurs at the 3' terminus of FHL1, is not expected to trigger nonsense-mediated mRNA decay, and a truncated mutant protein could still be expressed (Maquat, 2004). This alteration results in the elongation of the protein by 8 amino acids. The exact functional impact of these inserted amino acids is unknown at this time. The alteration is not observed in population databases: _x000D_ _x000D_ Based on data from the Genome Aggregation Database (gnomAD), the FHL1 c.799delC alteration was not observed, with coverage at this position. Based on insufficient or conflicting evidence, the clinical significance of this alteration remains unclear.